The following is an entry in ClinVar:

NM_007215.4(POLG2):c.397C>T (p.His133Tyr)

Genes: MILR1 (mast cell immunoglobulin like receptor 1; plus strand), POLG2 (DNA polymerase gamma 2, accessory subunit; minus strand). Cytogenetic location: 17q23.3.
Variant type: single nucleotide variant.
Coding change: c.397C>T on transcript NM_007215.4 (MANE Select); coding-DNA position 397, C replaced by T.
Protein change: p.His133Tyr; replaces histidine 133 with tyrosine.
Molecular consequence: missense variant.
Genome position (GRCh38, 1-based): chr17:64,496,572, G>A on the plus strand (C>T on the coding strand, the complement: POLG2 is on the minus strand). VCF-style: chr17-64496572-G-A. GRCh37 (hg19) VCF-style: chr17-62492690-G-A.
Other names: p.H133Y:CAC>TAC; short protein forms H133Y.
Identifiers: ClinVar variation 215023 (VCV000215023.44), dbSNP rs112984118, ClinGen allele CA321473.
Genomic context (GRCh38, chr17:64,496,572, plus strand): 5'-GAGTTTCTGCAGAAACTAACCTGAAGGCACTGTCCCCGGGTAGCAAAGGGCCTGGTTTGT[G>A]GTGGAGGGCGTCCACCGGGAATACCTGCTCCCTGAACACCACCACCGAGGTCCACCATTC-3'
Protein context (NP_009146.2, residues 123-143): EQVFPVDALH[His133Tyr]KPGPLLPGDS

ClinVar aggregate classification (germline): Benign/Likely benign. Review status: criteria provided, multiple submitters, no conflicts (2 of 4 stars). 8 submissions from 8 submitters: Benign (3); Likely benign (5). Last evaluated 2026-09-01.

Conditions:
Progressive external ophthalmoplegia with mitochondrial DNA deletions, autosomal dominant 4. Also called: PROGRESSIVE EXTERNAL OPHTHALMOPLEGIA, AUTOSOMAL DOMINANT 4. Identifiers: MedGen C1864668, MONDO:0012415, OMIM 610131.
Hereditary spastic paraplegia. Also called: Familial spastic paraparesis. Identifiers: Orphanet 685, MedGen C0037773, MONDO:0019064. Disease mechanism: loss of function.

Allele frequency attached by ClinVar (database versions not stated): gnomAD exomes 0.00037 and 0.00094; ExAC 0.00124; gnomAD 0.00354 and 0.00371; TOPMed 0.00385; ESP Exome Variant Server 0.00438; 1000 Genomes Project 30x 0.00484; 1000 Genomes Project 0.00499.
gnomAD v4.1: 1,118 of 1,613,364 alleles (0.069%); highest among the groups gnomAD compares: African/African-American, 1.3%; 4 homozygotes.

Submissions (8):

CeGaT Center for Human Genetics Tuebingen
Classification: Likely benign. Last evaluated: 2026-09-01. Review status: criteria provided, single submitter. Criteria: CeGaT Center For Human Genetics Tuebingen Variant Classification Criteria Version 2. Collection method: clinical testing. Allele origin: germline. Affected: yes. Observed: 4 variant alleles.
Comment: POLG2: BP4, BS1

Labcorp Genetics (formerly Invitae), Labcorp
Classification: Benign. Last evaluated: 2026-01-19. Review status: criteria provided, single submitter. Criteria: Invitae Variant Classification Sherloc (09022015). Collection method: clinical testing. Allele origin: germline.

Genomic Medicine Center of Excellence, King Faisal Specialist Hospital and Research Centre
Classification: Likely benign. Last evaluated: 2025-08-18. Review status: criteria provided, single submitter. Criteria: ACMG Guidelines, 2015. Collection method: clinical testing. Allele origin: germline.

Blueprint Genetics
Classification: Likely benign. Last evaluated: 2024-11-26. Review status: criteria provided, single submitter. Criteria: ACMG Guidelines, 2015. Collection method: clinical testing. Allele origin: germline.

Genome Diagnostics Laboratory, The Hospital for Sick Children
Classification: Likely benign for Hereditary spastic paraplegia. Last evaluated: 2019-04-01. Review status: criteria provided, single submitter. Criteria: ACMG Guidelines, 2015. Collection method: clinical testing. Allele origin: germline. Affected: yes.

Illumina Laboratory Services, Illumina
Classification: Benign for Progressive external ophthalmoplegia with mitochondrial DNA deletions, autosomal dominant 4. Last evaluated: 2018-01-13. Review status: criteria provided, single submitter. Criteria: ICSL Variant Classification Criteria 13 December 2019. Collection method: clinical testing. Allele origin: germline.
Comment: This variant was observed in the ICSL laboratory as part of a predisposition screen in an ostensibly healthy population. It had not been previously curated by ICSL or reported in the Human Gene Mutation Database (HGMD: prior to June 1st, 2018), and was therefore a candidate for classification through an automated scoring system. Utilizing variant allele frequency, disease prevalence and penetrance estimates, and inheritance mode, an automated score was calculated to assess if this variant is too frequent to cause the disease. Based on the score and internal cut-off values, a variant classified as benign is not then subjected to further curation. The score for this variant resulted in a classification of benign for this disease.

GeneDx
Classification: Benign. Last evaluated: 2015-02-13. Review status: criteria provided, single submitter. Criteria: GeneDx Variant Classification (06012015). Collection method: clinical testing. Allele origin: germline. Affected: yes.
Comment: This variant is considered likely benign or benign based on one or more of the following criteria: it is a conservative change, it occurs at a poorly conserved position in the protein, it is predicted to be benign by multiple in silico algorithms, and/or has population frequency not consistent with disease.

Breakthrough Genomics
Classification: Likely benign. Review status: criteria provided, single submitter. Criteria: ACMG Guidelines, 2015. Collection method: not provided. Allele origin: germline. Inheritance: Autosomal recessive inheritance. Affected: yes.